The following is an entry in ClinVar:

ClinVar aggregate classification (germline): Uncertain significance (1 of 4 stars; one submission).

Allele frequency attached by ClinVar (database versions not stated): ExAC 0.00002; gnomAD 0.00001; gnomAD exomes 0.00002; TOPMed 0.00002.
gnomAD v4.1: 19 of 1,614,100 alleles (0.0012%); highest among the groups gnomAD compares: Admixed American, 0.0067%; no homozygotes.

Submission:

Labcorp Genetics (formerly Invitae), Labcorp
Classification: Uncertain significance. Last evaluated: 2022-10-17. Review status: criteria provided, single submitter. Criteria: Invitae Variant Classification Sherloc (09022015). Collection method: clinical testing. Allele origin: germline.
Comment: This sequence change replaces alanine, which is neutral and non-polar, with threonine, which is neutral and polar, at codon 447 of the GPR179 protein (p.Ala447Thr). This variant is present in population databases (rs768141491, gnomAD 0.01%). This variant has not been reported in the literature in individuals affected with GPR179-related conditions. ClinVar contains an entry for this variant (Variation ID: 1491497). Algorithms developed to predict the effect of missense changes on protein structure and function are either unavailable or do not agree on the potential impact of this missense change (SIFT: "Tolerated"; PolyPhen-2: "Possibly Damaging"; Align-GVGD: "Class C0"). In summary, the available evidence is currently insufficient to determine the role of this variant in disease. Therefore, it has been classified as a Variant of Uncertain Significance.

NM_001004334.4(GPR179):c.1339G>A (p.Ala447Thr)

Gene: GPR179 (G protein-coupled receptor 179; minus strand). Cytogenetic location: 17q12.
Variant type: single nucleotide variant.
Coding change: c.1339G>A on transcript NM_001004334.4 (MANE Select); coding-DNA position 1339, G replaced by A.
Protein change: p.Ala447Thr; replaces alanine 447 with threonine.
Molecular consequence: missense variant.
Genome position (GRCh38, 1-based): chr17:38,335,658, C>T on the plus strand (G>A on the coding strand, the complement: GPR179 is on the minus strand). VCF-style: chr17-38335658-C-T. GRCh37 (hg19) VCF-style: chr17-36491541-C-T.
Other names: short protein forms A447T.
Identifiers: ClinVar variation 1491497 (VCV001491497.3), dbSNP rs768141491, ClinGen allele CA290108886.